The following is an entry in ClinVar:

NM_001042517.2(DIAPH3):c.1006C>A (p.Gln336Lys)

Gene: DIAPH3 (diaphanous related formin 3; minus strand). Cytogenetic location: 13q21.2.
Variant type: single nucleotide variant.
Coding change: c.1006C>A on transcript NM_001042517.2 (MANE Select); coding-DNA position 1006, C replaced by A.
Protein change: p.Gln336Lys; replaces glutamine 336 with lysine.
Molecular consequence: missense variant.
Genome position (GRCh38, 1-based): chr13:60,008,552, G>T on the plus strand (C>A on the coding strand, the complement: DIAPH3 is on the minus strand). VCF-style: chr13-60008552-G-T. GRCh37 (hg19) VCF-style: chr13-60582686-G-T.
Other names: c.973C>A, p.Gln325Lys (NM_001258366.2); c.868C>A, p.Gln290Lys (NM_001258367.2); c.796C>A, p.Gln266Lys (NM_001258368.2); c.1006C>A, p.Gln336Lys (NM_001258369.2); c.217C>A, p.Gln73Lys (NM_001258370.2, NM_030932.4); short protein forms Q266K, Q290K, Q325K, Q336K, Q73K.
Identifiers: ClinVar variation 3613885 (VCV003613885.2).

ClinVar aggregate classification (germline): Uncertain significance (1 of 4 stars; one submission).

gnomAD v4.1: 10 of 1,610,850 alleles (0.00062%); highest among the groups gnomAD compares: Middle Eastern, 0.017%; no homozygotes.

Submission:

Labcorp Genetics (formerly Invitae), Labcorp
Classification: Uncertain significance. Last evaluated: 2024-03-14. Review status: criteria provided, single submitter. Criteria: Invitae Variant Classification Sherloc (09022015). Collection method: clinical testing. Allele origin: germline.
Comment: This sequence change replaces glutamine, which is neutral and polar, with lysine, which is basic and polar, at codon 336 of the DIAPH3 protein (p.Gln336Lys). This variant is present in population databases (no rsID available, gnomAD 0.0009%). This variant has not been reported in the literature in individuals affected with DIAPH3-related conditions. An algorithm developed to predict the effect of missense changes on protein structure and function (PolyPhen-2) suggests that this variant is likely to be tolerated. In summary, the available evidence is currently insufficient to determine the role of this variant in disease. Therefore, it has been classified as a Variant of Uncertain Significance.